The following is an entry in ClinVar:

NM_001005242.3(PKP2):c.579A>T (p.Arg193Ser)

Gene: PKP2 (plakophilin 2; minus strand). Cytogenetic location: 12p11.21.
Variant type: single nucleotide variant.
Coding change: c.579A>T on transcript NM_001005242.3 (MANE Select); coding-DNA position 579, A replaced by T.
Protein change: p.Arg193Ser; replaces arginine 193 with serine.
Molecular consequence: missense variant.
Genome position (GRCh38, 1-based): chr12:32,878,301, T>A on the plus strand (A>T on the coding strand, the complement: PKP2 is on the minus strand). VCF-style: chr12-32878301-T-A. GRCh37 (hg19) VCF-style: chr12-33031235-T-A.
Other names: c.579A>T, p.Arg193Ser (NM_001407155.1, NM_001407156.1, NM_001407157.1 and 2 more transcripts); c.252A>T, p.Arg84Ser (NM_001407158.1, NM_001407159.1, NM_001407160.1 and 1 more transcripts); short protein forms R193S, R84S.
Identifiers: ClinVar variation 3387498 (VCV003387498.1).

ClinVar aggregate classification (germline): Uncertain significance (1 of 4 stars; one submission).

Conditions:
Arrhythmogenic right ventricular cardiomyopathy (ARVD). Also called: Arrhythmogenic right ventricular dysplasia; Cardiomyopathy, ARVC; Arrhythmogenic cardiomyopathy; Arrhythmogenic Right Ventricular Cardiomyopathy (ARVC). Identifiers: Orphanet 247, MedGen C0349788, MeSH D019571, MONDO:0016587. Disease mechanism: loss of function. Inheritance: Various modes of inheritance.

gnomAD v4.1: 7 of 1,613,290 alleles (0.00043%); highest among the groups gnomAD compares: South Asian, 0.0055%; no homozygotes.

Submission:

All of Us Research Program, National Institutes of Health
Classification: Uncertain significance for Arrhythmogenic right ventricular cardiomyopathy. Last evaluated: 2024-07-20. Review status: criteria provided, single submitter. Criteria: ACMG Guidelines, 2015. Collection method: clinical testing. Allele origin: germline. Inheritance: Autosomal dominant inheritance. Observed: 1 variant allele, 1 heterozygote.
Comment: This missense variant replaces arginine with serine at codon 193 of the PKP2 protein. Computational prediction is inconclusive regarding the impact of this variant on protein structure and function (internally defined REVEL score threshold 0.5 < inconclusive < 0.7, PMID: 27666373). To our knowledge, functional studies have not been reported for this variant. This variant has not been reported in individuals affected with PKP2-related disorders in the literature. This variant has not been identified in the general population by the Genome Aggregation Database (gnomAD). The available evidence is insufficient to determine the role of this variant in disease conclusively. Therefore, this variant is classified as a Variant of Uncertain Significance.

This study involves interpretation of variants in research participants for the purpose of population health screening. Participant phenotype was not available at the time of variant classification. Additional details can be found in publication PMID: 35346344, PMCID: PMC8962531